The following is an entry in ClinVar:

NM_001349253.2(SCN11A):c.4405C>A (p.Arg1469=)

Gene: SCN11A (sodium voltage-gated channel alpha subunit 11; minus strand). Cytogenetic location: 3p22.2.
Variant type: single nucleotide variant.
Coding change: c.4405C>A on transcript NM_001349253.2 (MANE Select); coding-DNA position 4405, C replaced by A.
Protein change: p.Arg1469=; no amino-acid change (arginine 1469 retained).
Molecular consequence: synonymous variant.
Genome position (GRCh38, 1-based): chr3:38,847,665, G>T on the plus strand (C>A on the coding strand, the complement: SCN11A is on the minus strand). VCF-style: chr3-38847665-G-T. GRCh37 (hg19) VCF-style: chr3-38889156-G-T.
Other names: c.4405C>A, p.Arg1469= (NM_014139.3).
Identifiers: ClinVar variation 474727 (VCV000474727.16), dbSNP rs144285862, ClinGen allele CA2321519.

ClinVar aggregate classification (germline): Likely benign. Review status: criteria provided, multiple submitters, no conflicts (2 of 4 stars). 4 submissions from 4 submitters: Likely benign (4). Last evaluated 2025-10-17.

Conditions:
SCN11A-related disorder. Also called: SCN11A-related condition.
Inborn genetic diseases. Identifiers: MedGen C0950123, MeSH D030342.
Hereditary sensory and autonomic neuropathy type 7. Also called: HSAN VII; Neuropathy, hereditary sensory and autonomic, type VII. Identifiers: Orphanet 391397, MedGen C3809882, MONDO:0014244, OMIM 615548.
Familial episodic pain syndrome with predominantly lower limb involvement. Also called: Episodic pain syndrome, familial, 3. Identifiers: Orphanet 391384, Orphanet 391392, MedGen C3809899, MONDO:0014247, OMIM 615552.

Allele frequency attached by ClinVar (database versions not stated): gnomAD 0.00013; TOPMed 0.00028; ESP Exome Variant Server 0.00085.
gnomAD v4.1: 629 of 1,613,692 alleles (0.039%); highest among the groups gnomAD compares: Non-Finnish European, 0.051%; no homozygotes.

Submissions (4):

Labcorp Genetics (formerly Invitae), Labcorp
Classification: Likely benign for Familial episodic pain syndrome with predominantly lower limb involvement; Hereditary sensory and autonomic neuropathy type 7. Last evaluated: 2025-10-17. Review status: criteria provided, single submitter. Criteria: Invitae Variant Classification Sherloc (09022015). Collection method: clinical testing. Allele origin: germline.

PreventionGenetics, part of Exact Sciences
Classification: Likely benign for SCN11A-related condition. Last evaluated: 2025-07-30. Review status: criteria provided, single submitter. Criteria: ACMG Guidelines, 2015. Collection method: clinical testing. Allele origin: germline.
Comment: This variant is classified as likely benign based on ACMG/AMP sequence variant interpretation guidelines (Richards et al. 2015 PMID: 25741868, with internal and published modifications).

Blueprint Genetics
Classification: Likely benign. Last evaluated: 2024-09-11. Review status: criteria provided, single submitter. Criteria: ACMG Guidelines, 2015. Collection method: clinical testing. Allele origin: germline.

Ambry Genetics
Classification: Likely benign for Inborn genetic diseases. Last evaluated: 2019-07-11. Review status: criteria provided, single submitter. Criteria: Ambry Variant Classification Scheme 2023. Collection method: clinical testing. Allele origin: germline.